The following is an entry in ClinVar:

ClinVar aggregate classification (germline): Uncertain significance. Review status: criteria provided, multiple submitters, no conflicts (2 of 4 stars). 2 submissions from 2 submitters: Uncertain significance (2). Last evaluated 2025-02-10.

Conditions:
Primary ciliary dyskinesia. Also called: Ciliary dyskinesia. Identifiers: Orphanet 244, MedGen C0008780, MONDO:0016575, HP:0012265.

Submissions (2):

Labcorp Genetics (formerly Invitae), Labcorp
Classification: Uncertain significance for Primary ciliary dyskinesia. Last evaluated: 2025-02-10. Review status: criteria provided, single submitter. Criteria: Invitae Variant Classification Sherloc (09022015). Collection method: clinical testing. Allele origin: germline.
Comment: This sequence change replaces glutamic acid, which is acidic and polar, with lysine, which is basic and polar, at codon 992 of the RPGR (ORF15) protein (p.Glu992Lys). The frequency data for this variant in the population databases is considered unreliable, as metrics indicate poor data quality at this position in the gnomAD database. This variant has not been reported in the literature in individuals affected with RPGR (ORF15)-related conditions. Invitae Evidence Modeling of protein sequence and biophysical properties (such as structural, functional, and spatial information, amino acid conservation, physicochemical variation, residue mobility, and thermodynamic stability) indicates that this missense variant is not expected to disrupt RPGR (ORF15) protein function with a negative predictive value of 95%. In summary, the available evidence is currently insufficient to determine the role of this variant in disease. Therefore, it has been classified as a Variant of Uncertain Significance.

Blueprint Genetics
Classification: Uncertain significance. Last evaluated: 2021-12-03. Review status: criteria provided, single submitter. Criteria: ACMG Guidelines, 2015. Collection method: clinical testing. Allele origin: germline.

NM_001034853.2(RPGR):c.2974G>A (p.Glu992Lys)

Gene: RPGR (retinitis pigmentosa GTPase regulator; minus strand). Cytogenetic location: Xp11.4.
Variant type: single nucleotide variant.
Coding change: c.2974G>A on transcript NM_001034853.2 (MANE Select); coding-DNA position 2974, G replaced by A.
Protein change: p.Glu992Lys; replaces glutamic acid 992 with lysine.
Molecular consequence: missense variant. On other transcripts: intron variant (8).
Genome position (GRCh38, 1-based): chrX:38,286,025, C>T on the plus strand (G>A on the coding strand, the complement: RPGR is on the minus strand). VCF-style: chrX-38286025-C-T. GRCh37 (hg19) VCF-style: chrX-38145278-C-T.
Other names: c.1569+4934G>A (NM_001367249.1, NM_001367250.1); c.1902+1069G>A (NM_001367245.1); c.1386+4934G>A (NM_001367251.1); c.1719+1069G>A (NM_001367246.1); c.1572+4934G>A (NM_001367247.1); c.1905+1069G>A (NM_000328.3); c.1602+4934G>A (NM_001367248.1); short protein forms E992K.
Identifiers: ClinVar variation 4737415 (VCV004737415.2).